The following is an entry in ClinVar:

NM_002225.5(IVD):c.281C>G (p.Ala94Gly)

Gene: IVD (isovaleryl-CoA dehydrogenase; plus strand). Cytogenetic location: 15q15.1.
Variant type: single nucleotide variant.
Coding change: c.281C>G on transcript NM_002225.5 (MANE Select); coding-DNA position 281, C replaced by G.
Protein change: p.Ala94Gly; replaces alanine 94 with glycine.
Molecular consequence: missense variant. On other transcripts: non-coding transcript variant (1).
Genome position (GRCh38, 1-based): chr15:40,407,985, C>G. VCF-style: chr15-40407985-C-G. GRCh37 (hg19) VCF-style: chr15-40700184-C-G.
Other names: c.191C>G, p.Ala64Gly (NM_001159508.3); c.233C>G, p.Ala78Gly (NM_001354597.3); c.281C>G, p.Ala94Gly (NM_001354598.3, NM_001354601.3); c.368C>G, p.Ala123Gly (NM_001354599.3, NM_001354600.3); short protein forms A123G, A64G, A78G, A94G.
Identifiers: ClinVar variation 3896314 (VCV003896314.2).
Genomic context (GRCh38, chr15:40,407,985, plus strand): 5'-CATTCTGTTGGCAGGAATTTTGGAAGCAGCTGGGGAACCTGGGCGTATTGGGCATCACAG[C>G]CCCTGGTGAGTATAGTGTCTTTCCCTAAAAAGAACTTTTCTTATGTGCCCTTTAAGACAG-3'
Protein context (NP_002216.3, residues 84-104): LGNLGVLGIT[Ala94Gly]PVQYGGSGLG

ClinVar aggregate classification (germline): Uncertain significance (1 of 4 stars; one submission).

Submission:

Women's Health and Genetics/Laboratory Corporation of America, LabCorp
Classification: Uncertain significance. Last evaluated: 2025-04-11. Review status: criteria provided, single submitter. Criteria: LabCorp Variant Classification Summary - May 2015. Collection method: clinical testing. Allele origin: germline.
Comment: Variant summary: IVD c.281C>G (p.Ala94Gly) results in a non-conservative amino acid change in the encoded protein sequence. Four of five in-silico tools predict a damaging effect of the variant on protein function. The variant was absent in 251482 control chromosomes (gnomAD). The available data on variant occurrences in the general population are insufficient to allow any conclusion about variant significance. c.281C>G has been observed in an individuals affected with Isovaleryl-CoA Dehydrogenase Deficiency (Vatanavicharn_2011). These data do not allow any conclusion about variant significance. To our knowledge, no experimental evidence demonstrating an impact on protein function has been reported. The following publication have been ascertained in the context of this evaluation (PMID: 22004070). No submitters have cited clinical-significance assessments for this variant to ClinVar. Based on the evidence outlined above, the variant was classified as uncertain significance.

Literature cited by the submitters: PubMed 22004070.